The following is an entry in ClinVar:

NM_014846.4(WASHC5):c.-3A>C

Gene: WASHC5 (WASH complex subunit 5; minus strand). Cytogenetic location: 8q24.13.
Variant type: single nucleotide variant.
Coding change: c.-3A>C on transcript NM_014846.4 (MANE Select); 3 bases upstream of the start codon, A replaced by C.
Molecular consequence: 5 prime UTR variant. On other transcripts: intron variant (1).
Genome position (GRCh38, 1-based): chr8:125,083,901, T>G on the plus strand (A>C on the coding strand, the complement: WASHC5 is on the minus strand). VCF-style: chr8-125083901-T-G. GRCh37 (hg19) VCF-style: chr8-126096143-T-G.
Other names: c.-258-643A>C (NM_001330609.2).
Identifiers: ClinVar variation 3385125 (VCV003385125.1).

ClinVar aggregate classification (germline): Uncertain significance (1 of 4 stars; one submission).

gnomAD v4.1: 1 of 1,613,396 alleles (0.000062%); highest among the groups gnomAD compares: Non-Finnish European, 0.000085%; no homozygotes.

Submission:

Women's Health and Genetics/Laboratory Corporation of America, LabCorp
Classification: Uncertain significance. Last evaluated: 2024-10-23. Review status: criteria provided, single submitter. Criteria: LabCorp Variant Classification Summary - May 2015. Collection method: clinical testing. Allele origin: germline.
Comment: Variant summary: WASHC5 (KIAA0196) c.-3A>C is located in the untranslated mRNA region upstream of the initiation codon. The variant was absent in 250374 control chromosomes. The available data on variant occurrences in the general population are insufficient to allow any conclusion about variant significance. To our knowledge, no occurrence of c.-3A>C in individuals affected with Ritscher-Schinzel Syndrome 1 and no experimental evidence demonstrating its impact on protein function have been reported. No submitters have cited clinical-significance assessments for this variant to ClinVar. Based on the evidence outlined above, the variant was classified as uncertain significance.